The following is an entry in ClinVar:

NC_000002.12:g.68218674_68450455dup

Genes: CNRIP1 (cannabinoid receptor interacting protein 1; minus strand), PLEK (pleckstrin; plus strand), PPP3R1 (protein phosphatase 3 regulatory subunit B, alpha; minus strand), PPP3R1-AS1 (PPP3R1 and CNRIP1 antisense RNA 1; plus strand), LOC101927723 (uncharacterized LOC101927723; minus strand) and 20 more. Cytogenetic location: 2p14-13.3.
Variant type: Duplication.
Identifiers: ClinVar variation 3252105 (VCV003252105.1).

ClinVar aggregate classification (germline): Pathogenic (0 of 4 stars; one submission).

Conditions:
Autosomal dominant nonsyndromic hearing loss 58. Also called: Deafness, autosomal dominant 58. Identifiers: Orphanet 90635, MedGen C3888210, MONDO:0014293, OMIM 615654.

Submission:

ClinVar Staff, National Center for Biotechnology Information (NCBI)
Classification: Pathogenic for Autosomal dominant nonsyndromic hearing loss 58. Review status: no assertion criteria provided. Collection method: literature only. Allele origin: germline. Inheritance: Autosomal dominant inheritance. Affected: yes.
Comment: Identified in one large Brazilian family.

Literature cited by the submitters: PubMed 36553541.